The following is an entry in ClinVar:

ClinVar aggregate classification (germline): Pathogenic. Review status: criteria provided, single submitter (1 of 4 stars). 2 submissions from 2 submitters: Pathogenic (1). 1 of the submissions does not count toward it. Last evaluated 2023-06-22.

Conditions:
Intellectual developmental disorder, autosomal dominant 30, with speech delay and behavioral abnormalities. Also called: Intellectual disability, autosomal dominant 30. Identifiers: Orphanet 436151, MedGen C4015167, MONDO:0014486, OMIM 616083.

Submissions (2):

GeneDx
Classification: Pathogenic. Last evaluated: 2023-06-22. Review status: criteria provided, single submitter. Criteria: GeneDx Variant Classification Process June 2021. Collection method: clinical testing. Allele origin: germline. Affected: yes.
Comment: Nonsense variant predicted to result in protein truncation or nonsense mediated decay in a gene for which loss of function is a known mechanism of disease; Not observed at significant frequency in large population cohorts (gnomAD); This variant is associated with the following publications: (PMID: 32097528)

OMIM
Classification: Pathogenic for INTELLECTUAL DEVELOPMENTAL DISORDER, AUTOSOMAL DOMINANT 30, WITH SPEECH DELAY AND BEHAVIORAL ABNORMALITIES. Last evaluated: 2022-09-08. Review status: no assertion criteria provided. Collection method: literature only. Allele origin: germline. Not counted in ClinVar's aggregate classification.

Literature cited by the submitters: PubMed 32097528 (cited by OMIM).

NM_001370100.5(ZMYND11):c.630C>G (p.Tyr210Ter)

Gene: ZMYND11 (zinc finger MYND-type containing 11; plus strand). Cytogenetic location: 10p15.3.
Variant type: single nucleotide variant.
Coding change: c.630C>G on transcript NM_001370100.5 (MANE Select); coding-DNA position 630, C replaced by G.
Protein change: p.Tyr210Ter; replaces tyrosine 210 with a stop codon.
Molecular consequence: nonsense. On other transcripts: non-coding transcript variant (1), intron variant (2).
Genome position (GRCh38, 1-based): chr10:239,458, C>G. VCF-style: chr10-239458-C-G. GRCh37 (hg19) VCF-style: chr10-285398-C-G.
Other names: c.630C>G, p.Tyr210Ter (NM_001161482.1, NM_001370115.2, NM_001370117.2 and 9 more transcripts); c.468C>G, p.Tyr156Ter (NM_001202464.3, NM_001202466.3, NM_001202467.1 and 8 more transcripts); c.375C>G, p.Tyr125Ter (NM_001202465.3, NM_001370110.2); c.579C>G, p.Tyr193Ter (NM_001370112.2, NM_001330057.3); c.537C>G, p.Tyr179Ter (NM_001370113.2, NM_001370114.2); c.564C>G, p.Tyr188Ter (NM_001370116.2); c.510C>G, p.Tyr170Ter (NM_001370118.2); c.402C>G, p.Tyr134Ter (NM_001370120.2); and 4 more; short protein forms Y210*, Y116*, Y53*, Y125*, Y156*, Y179*, Y134*, Y170*.
Identifiers: ClinVar variation 1704321 (VCV001704321.2), dbSNP rs376943614, ClinGen allele CA375845232.